The following is an entry in ClinVar:

NM_002474.3(MYH11):c.5357C>T (p.Ala1786Val)

Genes: MYH11 (myosin heavy chain 11; minus strand), NDE1 (nudE neurodevelopment protein 1; plus strand). Cytogenetic location: 16p13.11.
Variant type: single nucleotide variant.
Coding change: c.5357C>T on transcript NM_002474.3 (MANE Select); coding-DNA position 5357, C replaced by T.
Protein change: p.Ala1786Val; replaces alanine 1786 with valine.
Molecular consequence: missense variant. On other transcripts: intron variant (2).
Genome position (GRCh38, 1-based): chr16:15,717,287, G>A on the plus strand (C>T on the coding strand, the complement: MYH11 is on the minus strand). VCF-style: chr16-15717287-G-A. GRCh37 (hg19) VCF-style: chr16-15811144-G-A.
Other names: c.5378C>T, p.Ala1793Val (NM_001040113.2, NM_001040114.2); c.5357C>T, p.Ala1786Val (NM_022844.3); c.948-6904G>A (NM_001143979.2, NM_017668.3); short protein forms A1793V, A1786V.
Identifiers: ClinVar variation 923244 (VCV000923244.12), dbSNP rs1567687948, ClinGen allele CA394849097.
Genomic context (GRCh38, chr16:15,717,287, plus strand): 5'-CCCTCCATCTCGTGGAGCTTGCTCCGGAGCTCCTTGTTCTGCCGCTCGAGCTGCTGCCGG[G>A]CACTCTCATTCTTCTGGGCCGTGCTGCGCTCTGTGGCCAGCTCGTTGCTGAGCTGCTCGG-3'
Protein context (NP_002465.1, residues 1776-1796): ERSTAQKNES[Ala1786Val]RQQLERQNKE

ClinVar aggregate classification (germline): Uncertain significance. Review status: criteria provided, multiple submitters, no conflicts (2 of 4 stars). 3 submissions from 3 submitters: Uncertain significance (3). Last evaluated 2024-04-10.

Conditions:
Aortic aneurysm, familial thoracic 4 (AAT4). Also called: AORTIC ANEURYSM/AORTIC DISSECTION AND PATENT DUCTUS ARTERIOSUS. Identifiers: MedGen C1851504, MONDO:0007568, OMIM 132900.
Familial thoracic aortic aneurysm and aortic dissection (TAAD). Also called: Thoracic aortic aneurysms and dissections. Identifiers: Orphanet 91387, MedGen C4707243, MONDO:0019625.

Allele frequency attached by ClinVar (database versions not stated): gnomAD exomes below 0.00001.
gnomAD v4.1: 1 of 1,613,378 alleles (0.000062%); highest among the groups gnomAD compares: Non-Finnish European, 0.000085%; no homozygotes.

Submissions (3):

All of Us Research Program, National Institutes of Health
Classification: Uncertain significance for Familial thoracic aortic aneurysm and aortic dissection. Last evaluated: 2024-04-10. Review status: criteria provided, single submitter. Criteria: ACMG Guidelines, 2015. Collection method: clinical testing. Allele origin: germline. Inheritance: Autosomal dominant inheritance. Observed: 1 variant allele, 1 heterozygote.
Comment: This missense variant replaces alanine with valine at codon 1793 of the MYH11 protein. Computational prediction is inconclusive regarding the impact of this variant on protein structure and function (internally defined REVEL score threshold 0.5 < inconclusive < 0.7, PMID: 27666373). Splice site prediction tools suggest that this variant may not impact RNA splicing. To our knowledge, functional studies have not been performed for this variant. This variant has not been reported in individuals affected with cardiovascular disorders in the literature. This variant has not been identified in the general population by the Genome Aggregation Database (gnomAD). The available evidence is insufficient to determine the role of this variant in disease conclusively. Therefore, this variant is classified as a Variant of Uncertain Significance.

This study involves interpretation of variants in research participants for the purpose of population health screening. Participant phenotype was not available at the time of variant classification. Additional details can be found in publication PMID: 35346344, PMCID: PMC8962531

Color Diagnostics, LLC DBA Color Health
Classification: Uncertain significance for Familial thoracic aortic aneurysm and aortic dissection. Last evaluated: 2024-03-06. Review status: criteria provided, single submitter. Criteria: ACMG Guidelines, 2015. Collection method: clinical testing. Allele origin: germline.
Comment: This missense variant replaces alanine with valine at codon 1793 of the MYH11 protein. Computational prediction is inconclusive regarding the impact of this variant on protein structure and function (internally defined REVEL score threshold 0.5 < inconclusive < 0.7, PMID: 27666373). Splice site prediction tools suggest that this variant may not impact RNA splicing. To our knowledge, functional studies have not been performed for this variant. This variant has not been reported in individuals affected with cardiovascular disorders in the literature. This variant has not been identified in the general population by the Genome Aggregation Database (gnomAD). The available evidence is insufficient to determine the role of this variant in disease conclusively. Therefore, this variant is classified as a Variant of Uncertain Significance.

Labcorp Genetics (formerly Invitae), Labcorp
Classification: Uncertain significance for Aortic aneurysm, familial thoracic 4. Last evaluated: 2021-08-31. Review status: criteria provided, single submitter. Criteria: Invitae Variant Classification Sherloc (09022015). Collection method: clinical testing. Allele origin: germline.
Comment: This sequence change replaces alanine with valine at codon 1793 of the MYH11 protein (p.Ala1793Val). The alanine residue is highly conserved and there is a small physicochemical difference between alanine and valine. This variant is not present in population databases (ExAC no frequency). This variant has not been reported in the literature in individuals affected with MYH11-related conditions. Algorithms developed to predict the effect of missense changes on protein structure and function are either unavailable or do not agree on the potential impact of this missense change (SIFT: "Deleterious"; PolyPhen-2: "Possibly Damaging"; Align-GVGD: "Class C15"). In summary, the available evidence is currently insufficient to determine the role of this variant in disease. Therefore, it has been classified as a Variant of Uncertain Significance.